The following is an entry in ClinVar:

ClinVar aggregate classification (germline): Uncertain significance (1 of 4 stars; one submission).

Conditions:
Hereditary cancer-predisposing syndrome. Also called: Neoplastic Syndromes, Hereditary; Tumor predisposition; Hereditary Cancer Syndrome; Hereditary neoplastic syndrome. Identifiers: Orphanet 140162, MedGen C0027672, MeSH D009386, MONDO:0015356.

Submission:

Ambry Genetics
Classification: Uncertain significance for Hereditary cancer-predisposing syndrome. Last evaluated: 2026-06-13. Review status: criteria provided, single submitter. Criteria: Ambry Variant Classification Scheme 2023. Collection method: clinical testing. Allele origin: germline.
Comment: The p.L826V variant (also known as c.2476C>G), located in coding exon 17 of the PDGFRA gene, results from a C to G substitution at nucleotide position 2476. The leucine at codon 826 is replaced by valine, an amino acid with highly similar properties. This amino acid position is conserved. In addition, the in silico prediction for this alteration is inconclusive. Based on the available evidence, the clinical significance of this variant remains unclear.

NM_006206.6(PDGFRA):c.2476C>G (p.Leu826Val)

Gene: PDGFRA (platelet derived growth factor receptor alpha; plus strand). Cytogenetic location: 4q12.
Variant type: single nucleotide variant.
Coding change: c.2476C>G on transcript NM_006206.6 (MANE Select); coding-DNA position 2476, C replaced by G.
Protein change: p.Leu826Val; replaces leucine 826 with valine.
Molecular consequence: missense variant.
Genome position (GRCh38, 1-based): chr4:54,285,877, C>G. VCF-style: chr4-54285877-C-G. GRCh37 (hg19) VCF-style: chr4-55152044-C-G.
Other names: c.2551C>G, p.Leu851Val (NM_001347828.2); c.2476C>G, p.Leu826Val (NM_001347829.2); c.2515C>G, p.Leu839Val (NM_001347830.2); short protein forms L826V, L839V, L851V.
Identifiers: ClinVar variation 4861756 (VCV004861756.1).